The following is an entry in ClinVar:

NM_005732.4(RAD50):c.2320C>T (p.Leu774Phe)

Gene: RAD50 (RAD50 double strand break repair protein; plus strand). Cytogenetic location: 5q31.1.
Variant type: single nucleotide variant.
Coding change: c.2320C>T on transcript NM_005732.4 (MANE Select); coding-DNA position 2320, C replaced by T.
Protein change: p.Leu774Phe; replaces leucine 774 with phenylalanine.
Molecular consequence: missense variant.
Genome position (GRCh38, 1-based): chr5:132,603,412, C>T. VCF-style: chr5-132603412-C-T. GRCh37 (hg19) VCF-style: chr5-131939104-C-T.
Other names: short protein forms L774F.
Identifiers: ClinVar variation 1789575 (VCV001789575.2), dbSNP rs2479665048, ClinGen allele CA360954627.
Genomic context (GRCh38, chr5:132,603,412, plus strand): 5'-CTGCAGAATGTCAATAGAGACATACAGCGCCTAAAGAACGACATAGAAGAACAAGAAACA[C>T]TCTTGGGTACAATAATGCCTGAAGAAGAAAGTGCCAAAGTATGCCTGACAGATGTTACAA-3'
Protein context (NP_005723.2, residues 764-784): LKNDIEEQET[Leu774Phe]LGTIMPEEES

ClinVar aggregate classification (germline): Uncertain significance (1 of 4 stars; one submission).

Conditions:
Hereditary cancer-predisposing syndrome. Also called: Hereditary Cancer Syndrome; Hereditary neoplastic syndrome; Tumor predisposition; Neoplastic Syndromes, Hereditary. Identifiers: Orphanet 140162, MedGen C0027672, MeSH D009386, MONDO:0015356.

Allele frequency attached by ClinVar (database versions not stated): gnomAD exomes below 0.00001.
gnomAD v4.1: 1 of 1,613,934 alleles (0.000062%); highest among the groups gnomAD compares: Non-Finnish European, 0.000085%; no homozygotes.

Submission:

Ambry Genetics
Classification: Uncertain significance for Hereditary cancer-predisposing syndrome. Last evaluated: 2020-04-27. Review status: criteria provided, single submitter. Criteria: Ambry Variant Classification Scheme 2023. Collection method: clinical testing. Allele origin: germline.
Comment: The p.L774F variant (also known as c.2320C>T), located in coding exon 14 of the RAD50 gene, results from a C to T substitution at nucleotide position 2320. The leucine at codon 774 is replaced by phenylalanine, an amino acid with highly similar properties. This amino acid position is highly conserved in available vertebrate species. In addition, this alteration is predicted to be tolerated by in silico analysis. Since supporting evidence is limited at this time, the clinical significance of this alteration remains unclear.